The following is an entry in ClinVar:

ClinVar aggregate classification (germline): Likely benign. Review status: criteria provided, multiple submitters, no conflicts (2 of 4 stars). 4 submissions from 4 submitters: Likely benign (4). Last evaluated 2025-12-03.

Conditions:
Cohen syndrome (COH1). Also called: Cutis verticis gyrata, retinitis pigmentosa, and sensorineural deafness; PEPPER SYNDROME. Identifiers: Orphanet 193, MedGen C0265223, MONDO:0008999, OMIM 216550.
VPS13B-related disorder. Also called: VPS13B-related condition.

Allele frequency attached by ClinVar (database versions not stated): gnomAD 0.00001; TOPMed 0.00002; gnomAD exomes 0.00003; ExAC 0.00006.
gnomAD v4.1: 15 of 1,613,668 alleles (0.00093%); highest among the groups gnomAD compares: Admixed American, 0.017%; no homozygotes.

Submissions (4):

Labcorp Genetics (formerly Invitae), Labcorp
Classification: Likely benign for Cohen syndrome. Last evaluated: 2025-12-03. Review status: criteria provided, single submitter. Criteria: Invitae Variant Classification Sherloc (09022015). Collection method: clinical testing. Allele origin: germline.

Mayo Clinic Laboratories, Mayo Clinic
Classification: Likely benign. Last evaluated: 2025-04-08. Review status: criteria provided, single submitter. Criteria: ACMG Guidelines, 2015. Collection method: clinical testing. Allele origin: germline. Observed: 1 variant allele.
Comment: BP4, BP7

PreventionGenetics, part of Exact Sciences
Classification: Likely benign for VPS13B-related condition. Last evaluated: 2024-11-14. Review status: criteria provided, single submitter. Criteria: ACMG Guidelines, 2015. Collection method: clinical testing. Allele origin: germline.
Comment: This variant is classified as likely benign based on ACMG/AMP sequence variant interpretation guidelines (Richards et al. 2015 PMID: 25741868, with internal and published modifications).

Blueprint Genetics
Classification: Likely benign. Last evaluated: 2022-09-12. Review status: criteria provided, single submitter. Criteria: ACMG Guidelines, 2015. Collection method: clinical testing. Allele origin: germline.

NM_152564.5(VPS13B):c.1696T>C (p.Leu566=)

Gene: VPS13B (vacuolar protein sorting 13 homolog B; plus strand). Cytogenetic location: 8q22.2.
Variant type: single nucleotide variant.
Coding change: c.1696T>C on transcript NM_152564.5 (MANE Select); coding-DNA position 1696, T replaced by C.
Protein change: p.Leu566=; no amino-acid change (leucine 566 retained).
Molecular consequence: synonymous variant.
Genome position (GRCh38, 1-based): chr8:99,143,018, T>C. VCF-style: chr8-99143018-T-C. GRCh37 (hg19) VCF-style: chr8-100155246-T-C.
Other names: p.Leu566=; c.1696T>C (NM_017890.4, NM_152564.4); c.1696T>C, p.Leu566= (NM_015243.3, NM_017890.5).
Identifiers: ClinVar variation 1107883 (VCV001107883.12), dbSNP rs767273023, ClinGen allele CA4822719.
Genomic context (GRCh38, chr8:99,143,018, plus strand): 5'-ATTTGACTTCTTTTAGGTTCCACAAATCAACAAGACTTTTCTTCAGGGAAAAGTGAAGAT[T>C]TGGGAACAGTTCAGGAGAAGTCCACCAAAAGCCTTGTTATAGGTCCTCTTGATTTTCGTT-3'
Protein context (NP_689777.3, residues 556-576): QDFSSGKSED[Leu566=]GTVQEKSTKS